The following is an entry in ClinVar:

ClinVar aggregate classification (germline): Likely pathogenic (1 of 4 stars; one submission).

Conditions:
COL5A1-related disorder. Also called: COL5A1-related condition.

Submission:

PreventionGenetics, part of Exact Sciences
Classification: Likely pathogenic for COL5A1-related condition. Last evaluated: 2026-05-27. Review status: criteria provided, single submitter. Criteria: ACMG Guidelines, 2015. Collection method: clinical testing. Allele origin: germline.
Comment: The COL5A1 c.4592G>T variant is predicted to result in the amino acid substitution p.Gly1531Val. To our knowledge, this variant has not been reported in the literature or in a large population database (gnomAD), indicating this variant is rare. The p.Gly1531 resides in the triple helical domain (p.559-1570); and, most documented pathogenic missense variants in COL5A1 substitute a glycine residue to a bulkier amino acid in the triple helical region (for examples see Malfait et al. 2005. PubMed ID: 15580559; Mitchell et al. 2009. PubMed ID: 19370768; Giunta and Steinmann. 2000. PubMed ID: 10602121; Symoens et al. 2012. PubMed ID: 22696272). This variant is interpreted as likely pathogenic.

NM_000093.5(COL5A1):c.4592G>T (p.Gly1531Val)

Genes: COL5A1 (collagen type V alpha 1 chain; plus strand), LOC101448202 (uncharacterized LOC101448202; minus strand). Cytogenetic location: 9q34.3.
Variant type: single nucleotide variant.
Coding change: c.4592G>T on transcript NM_000093.5 (MANE Select); coding-DNA position 4592, G replaced by T.
Protein change: p.Gly1531Val; replaces glycine 1531 with valine.
Molecular consequence: missense variant.
Genome position (GRCh38, 1-based): chr9:134,822,134, G>T. VCF-style: chr9-134822134-G-T. GRCh37 (hg19) VCF-style: chr9-137713980-G-T.
Other names: c.4592G>T, p.Gly1531Val (NM_001278074.1); short protein forms G1531V.
Identifiers: ClinVar variation 4996104 (VCV004996104.1).